The following is an entry in ClinVar:

ClinVar aggregate classification (germline): Uncertain significance (1 of 4 stars; one submission).

Conditions:
Inborn genetic diseases. Identifiers: MedGen C0950123, MeSH D030342.

Submission:

Ambry Genetics
Classification: Uncertain significance for Inborn genetic diseases. Last evaluated: 2026-03-03. Review status: criteria provided, single submitter. Criteria: Ambry Variant Classification Scheme 2023. Collection method: clinical testing. Allele origin: germline.
Comment: The p.R338S variant (also known as c.1014A>T), located in coding exon 5 of the FANCM gene, results from an A to T substitution at nucleotide position 1014. The arginine at codon 338 is replaced by serine, an amino acid with dissimilar properties. This amino acid position is conserved. In addition, this alteration is predicted to be tolerated by in silico analysis. Based on the available evidence, the clinical significance of this variant remains unclear.

NM_020937.4(FANCM):c.1014A>T (p.Arg338Ser)

Gene: FANCM (FA complementation group M; plus strand). Cytogenetic location: 14q21.2.
Variant type: single nucleotide variant.
Coding change: c.1014A>T on transcript NM_020937.4 (MANE Select); coding-DNA position 1014, A replaced by T.
Protein change: p.Arg338Ser; replaces arginine 338 with serine.
Molecular consequence: missense variant.
Genome position (GRCh38, 1-based): chr14:45,151,492, A>T. VCF-style: chr14-45151492-A-T. GRCh37 (hg19) VCF-style: chr14-45620695-A-T.
Other names: c.936A>T, p.Arg312Ser (NM_001308133.2); c.1014A>T, p.Arg338Ser (NM_001308134.2); short protein forms R338S, R312S.
Identifiers: ClinVar variation 4826012 (VCV004826012.1).